The following is an entry in ClinVar:

NM_003900.5(SQSTM1):c.964C>A (p.Pro322Thr)

Gene: SQSTM1 (sequestosome 1; plus strand). Cytogenetic location: 5q35.3.
Variant type: single nucleotide variant.
Coding change: c.964C>A on transcript NM_003900.5 (MANE Select); coding-DNA position 964, C replaced by A.
Protein change: p.Pro322Thr; replaces proline 322 with threonine.
Molecular consequence: missense variant.
Genome position (GRCh38, 1-based): chr5:179,833,241, C>A. VCF-style: chr5-179833241-C-A. GRCh37 (hg19) VCF-style: chr5-179260241-C-A.
Other names: c.712C>A, p.Pro238Thr (NM_001142298.2, NM_001142299.2); short protein forms P322T, P238T.
Identifiers: ClinVar variation 2180488 (VCV002180488.4), dbSNP rs1225559170, ClinGen allele CA362452190.

ClinVar aggregate classification (germline): Uncertain significance (1 of 4 stars; one submission).

Conditions:
Paget disease of bone 2, early-onset (PDB2). Also called: Paget disease of bone 2. Identifiers: MedGen C4085251, MONDO:0011183, OMIM 602080.
Frontotemporal dementia and/or amyotrophic lateral sclerosis 1 (FTDALS1). Also called: C9orf72 Frontotemporal Dementia and/or Amyotrophic Lateral Sclerosis; Frontotemporal dementia with motor neuron disease 1. Identifiers: Orphanet 275872, MedGen C5779877, MONDO:0007105, OMIM 105550.

Submission:

Labcorp Genetics (formerly Invitae), Labcorp
Classification: Uncertain significance for Paget disease of bone 2, early-onset; Frontotemporal dementia and/or amyotrophic lateral sclerosis 1. Last evaluated: 2022-07-29. Review status: criteria provided, single submitter. Criteria: Invitae Variant Classification Sherloc (09022015). Collection method: clinical testing. Allele origin: germline.
Comment: This sequence change replaces proline, which is neutral and non-polar, with threonine, which is neutral and polar, at codon 322 of the SQSTM1 protein (p.Pro322Thr). This variant is not present in population databases (gnomAD no frequency). This variant has not been reported in the literature in individuals affected with SQSTM1-related conditions. Algorithms developed to predict the effect of missense changes on protein structure and function output the following: SIFT: "Tolerated"; PolyPhen-2: "Benign"; Align-GVGD: "Class C0". The threonine amino acid residue is found in multiple mammalian species, which suggests that this missense change does not adversely affect protein function. In summary, the available evidence is currently insufficient to determine the role of this variant in disease. Therefore, it has been classified as a Variant of Uncertain Significance.